The following is an entry in ClinVar:

ClinVar aggregate classification (germline): Pathogenic (1 of 4 stars; one submission).

Conditions:
Congenital disorder of deglycosylation (CDDG). Identifiers: MedGen C3808991, MONDO:0031376.

Allele frequency attached by ClinVar (database versions not stated): gnomAD exomes below 0.00001.
gnomAD v4.1: 1 of 1,614,106 alleles (0.000062%); highest among the groups gnomAD compares: East Asian, 0.0022%; no homozygotes.

Submission:

Labcorp Genetics (formerly Invitae), Labcorp
Classification: Pathogenic for Congenital disorder of deglycosylation. Last evaluated: 2023-10-19. Review status: criteria provided, single submitter. Criteria: Invitae Variant Classification Sherloc (09022015). Collection method: clinical testing. Allele origin: germline.
Comment: This sequence change creates a premature translational stop signal (p.Trp273*) in the NGLY1 gene. It is expected to result in an absent or disrupted protein product. Loss-of-function variants in NGLY1 are known to be pathogenic (PMID: 24651605). This variant is not present in population databases (gnomAD no frequency). This variant has not been reported in the literature in individuals affected with NGLY1-related conditions. For these reasons, this variant has been classified as Pathogenic.

Literature cited by the submitters: PubMed 24651605.

NM_018297.4(NGLY1):c.819G>A (p.Trp273Ter)

Gene: NGLY1 (N-glycanase 1; minus strand). Cytogenetic location: 3p24.2.
Variant type: single nucleotide variant.
Coding change: c.819G>A on transcript NM_018297.4 (MANE Select); coding-DNA position 819, G replaced by A.
Protein change: p.Trp273Ter; replaces tryptophan 273 with a stop codon.
Molecular consequence: nonsense.
Genome position (GRCh38, 1-based): chr3:25,739,639, C>T on the plus strand (G>A on the coding strand, the complement: NGLY1 is on the minus strand). VCF-style: chr3-25739639-C-T. GRCh37 (hg19) VCF-style: chr3-25781130-C-T.
Other names: c.819G>A, p.Trp273Ter (NM_001145295.2, NM_001145293.2); c.693G>A, p.Trp231Ter (NM_001145294.2); short protein forms W231*, W273*.
Identifiers: ClinVar variation 2770123 (VCV002770123.3), dbSNP rs2470552807, ClinGen allele CA351902689.